The following is an entry in ClinVar:

ClinVar aggregate classification (germline): Uncertain significance. Review status: criteria provided, multiple submitters, no conflicts (2 of 4 stars). 4 submissions from 4 submitters: Uncertain significance (4). Last evaluated 2026-06-11.

Conditions:
Achondrogenesis, type IA (ACG1A). Identifiers: Orphanet 932, Orphanet 93299, MedGen C0265273, MONDO:0008701, OMIM 200600.

Allele frequency attached by ClinVar (database versions not stated): ExAC 0.00033; gnomAD exomes 0.00038 and 0.00085; 1000 Genomes Project 0.00040; TOPMed 0.00046; 1000 Genomes Project 30x 0.00047; gnomAD 0.00049; ESP Exome Variant Server 0.00085.
gnomAD v4.1: 1,352 of 1,614,122 alleles (0.084%); highest among the groups gnomAD compares: Non-Finnish European, 0.1%; 3 homozygotes.

Submissions (4):

GeneDx
Classification: Uncertain significance. Last evaluated: 2026-06-11. Review status: criteria provided, single submitter. Criteria: GeneDx Variant Classification Process June 2021. Collection method: clinical testing. Allele origin: germline.
Comment: In silico analysis suggests that this missense variant does not alter protein structure/function; Has not been previously published as pathogenic or benign to our knowledge

Blueprint Genetics
Classification: Uncertain significance. Last evaluated: 2024-03-27. Review status: criteria provided, single submitter. Criteria: ACMG Guidelines, 2015. Collection method: clinical testing. Allele origin: germline.

Labcorp Genetics (formerly Invitae), Labcorp
Classification: Uncertain significance for Achondrogenesis, type IA. Last evaluated: 2022-08-16. Review status: criteria provided, single submitter. Criteria: Invitae Variant Classification Sherloc (09022015). Collection method: clinical testing. Allele origin: germline.
Comment: This sequence change replaces arginine, which is basic and polar, with histidine, which is basic and polar, at codon 1926 of the TRIP11 protein (p.Arg1926His). This variant is present in population databases (rs137938779, gnomAD 0.06%). This variant has not been reported in the literature in individuals affected with TRIP11-related conditions. ClinVar contains an entry for this variant (Variation ID: 314928). Algorithms developed to predict the effect of missense changes on protein structure and function output the following: SIFT: "Not Available"; PolyPhen-2: "Possibly Damaging"; Align-GVGD: "Not Available". The histidine amino acid residue is found in multiple mammalian species, which suggests that this missense change does not adversely affect protein function. In summary, the available evidence is currently insufficient to determine the role of this variant in disease. Therefore, it has been classified as a Variant of Uncertain Significance.

Illumina Laboratory Services, Illumina
Classification: Uncertain significance for Achondrogenesis, type IA. Last evaluated: 2018-01-13. Review status: criteria provided, single submitter. Criteria: ICSL Variant Classification Criteria 13 December 2019. Collection method: clinical testing. Allele origin: germline.

NM_004239.4(TRIP11):c.5777G>A (p.Arg1926His)

Gene: TRIP11 (thyroid hormone receptor interactor 11; minus strand). Cytogenetic location: 14q32.12.
Variant type: single nucleotide variant.
Coding change: c.5777G>A on transcript NM_004239.4 (MANE Select); coding-DNA position 5777, G replaced by A.
Protein change: p.Arg1926His; replaces arginine 1926 with histidine.
Molecular consequence: missense variant.
Genome position (GRCh38, 1-based): chr14:91,969,836, C>T on the plus strand (G>A on the coding strand, the complement: TRIP11 is on the minus strand). VCF-style: chr14-91969836-C-T. GRCh37 (hg19) VCF-style: chr14-92436180-C-T.
Other names: c.5774G>A, p.Arg1925His (NM_001321851.1); short protein forms R1926H, R1925H.
Identifiers: ClinVar variation 314928 (VCV000314928.11), dbSNP rs137938779, ClinGen allele CA7313050.